The following is an entry in ClinVar:

ClinVar aggregate classification (germline): Pathogenic/Likely pathogenic. Review status: criteria provided, multiple submitters, no conflicts (2 of 4 stars). 6 submissions from 6 submitters: Pathogenic (4); Likely pathogenic (1). 1 of the submissions does not count toward it. Last evaluated 2025-03-30.

Conditions:
Nemaline myopathy 2 (NEM2). Also called: Nemaline myopathy 2, autosomal recessive. Identifiers: MedGen C1850569, MONDO:0009725, OMIM 256030.
Nemaline myopathy. Also called: Myopathies, Nemaline. Identifiers: Orphanet 607, MedGen C0206157, MONDO:0018958.

Allele frequency attached by ClinVar (database versions not stated): TOPMed 0.00002.
gnomAD v4.1: 30 of 1,343,354 alleles (0.0022%); highest among the groups gnomAD compares: Non-Finnish European, 0.0029%; no homozygotes.

Submissions (6):

Natera, Inc.
Classification: Pathogenic for Nemaline myopathy type 2. Last evaluated: 2025-03-30. Review status: criteria provided, single submitter. Criteria: Natera Variant Classification Schema (03/2026). Collection method: clinical testing. Allele origin: germline.
Comment: The c.3255+1G>T variant in NEB is a canonical splice donor site variant predicted to affect pre-mRNA splicing, which may result in an abnormal transcript and altered protein product. This variant may result in a truncated or dysfunctional protein product. This variant is rare in the general population with a frequency below the threshold expected for the associated phenotype(s). This variant has been observed in one or more individuals affected with the associated recessive disease, as either homozygous or compound heterozygous with a second variant (PMID: 33966749, 16917880, 25205138). Functional studies show that this variant may disrupt protein function (PMID: 16917880). Given the available evidence, this variant is classified as Pathogenic.

Labcorp Genetics (formerly Invitae), Labcorp
Classification: Pathogenic for Nemaline myopathy 2. Last evaluated: 2023-01-13. Review status: criteria provided, single submitter. Criteria: Invitae Variant Classification Sherloc (09022015). Collection method: clinical testing. Allele origin: germline.
Comment: For these reasons, this variant has been classified as Pathogenic. Studies have shown that disruption of this splice site results in skipping of exon 32, but is expected to preserve the integrity of the reading-frame (PMID: 16917880). ClinVar contains an entry for this variant (Variation ID: 552035). This variant is also known as g.53437G>T. Disruption of this splice site has been observed in individuals with nemaline myopathy (PMID: 16917880). This variant is present in population databases (rs375628303, gnomAD 0.0009%). This sequence change affects a donor splice site in intron 32 of the NEB gene. RNA analysis indicates that disruption of this splice site induces altered splicing and likely results in a shortened protein product.

Women's Health and Genetics/Laboratory Corporation of America, LabCorp
Classification: Pathogenic for Nemaline myopathy. Last evaluated: 2020-05-18. Review status: criteria provided, single submitter. Criteria: LabCorp Variant Classification Summary - May 2015. Collection method: clinical testing. Allele origin: germline.
Comment: Variant summary: NEB c.3255+1G>T is located in a canonical splice-site and is predicted to affect mRNA splicing resulting in a significantly altered protein due to either exon skipping, shortening, or inclusion of intronic material. Several computational tools predict a significant impact on normal splicing: Four predict the variant abolishes a 5 splicing donor site. At least one publication reports experimental evidence that this variant affects mRNA splicing and results in skipping of exon 32 (Lehtokari_2006). The variant allele was found at a frequency of 4e-06 in 248154 control chromosomes (gnomAD and publication). c.3255+1G>T has been reported in the literature in multiple individuals affected with Nemaline Myopathy (Lehtokari_2006, Lehtokari_2014). These data indicate that the variant is very likely to be associated with disease. Three ClinVar submitters (evaluation after 2014) cite the variant as pathogenic (2x) and likely pathogenic (1x). Based on the evidence outlined above, the variant was classified as pathogenic.

Revvity Omics, Revvity
Classification: Pathogenic. Last evaluated: 2019-09-26. Review status: criteria provided, single submitter. Criteria: ACMG Guidelines, 2015. Collection method: clinical testing. Allele origin: germline.

Fulgent Genetics
Classification: Likely pathogenic for Nemaline myopathy 2. Last evaluated: 2018-10-31. Review status: criteria provided, single submitter. Criteria: ACMG Guidelines, 2015. Collection method: clinical testing. Allele origin: unknown.

Counsyl
Classification: Pathogenic for Nemaline myopathy 2. Last evaluated: 2017-05-19. Review status: no assertion criteria provided. Collection method: clinical testing. Allele origin: unknown. Not counted in ClinVar's aggregate classification.

Literature cited by the submitters: PubMed 33966749 (cited by Natera, Inc.); PubMed 16917880 (cited by 4 submitters); PubMed 25205138 (cited by 3 submitters).

NM_001164508.2(NEB):c.3255+1G>T

Gene: NEB (nebulin; minus strand). Cytogenetic location: 2q23.3.
Variant type: single nucleotide variant.
Coding change: c.3255+1G>T on transcript NM_001164508.2 (MANE Select); the canonical splice donor site of the intron after coding-DNA position 3255, G replaced by T.
Molecular consequence: splice donor variant.
Genome position (GRCh38, 1-based): chr2:151,679,720, C>A on the plus strand (G>T on the coding strand, the complement: NEB is on the minus strand). VCF-style: chr2-151679720-C-A. GRCh37 (hg19) VCF-style: chr2-152536234-C-A.
Other names: c.3255+1G>T (NM_004543.5, NM_001164507.2, NM_001271208.2).
Identifiers: ClinVar variation 552035 (VCV000552035.19), dbSNP rs375628303, ClinGen allele CA1910962.